The following is an entry in ClinVar:

NM_206926.2(SELENON):c.-1C>T

Gene: SELENON (selenoprotein N; plus strand). Cytogenetic location: 1p36.11.
Variant type: single nucleotide variant.
Coding change: c.-1C>T on transcript NM_206926.2 (MANE Select); 1 bases upstream of the start codon, C replaced by T.
Molecular consequence: 5 prime UTR variant.
Genome position (GRCh38, 1-based): chr1:25,800,230, C>T. VCF-style: chr1-25800230-C-T. GRCh37 (hg19) VCF-style: chr1-26126721-C-T.
Other names: c.-1C>T (NM_020451.3).
Identifiers: ClinVar variation 379511 (VCV000379511.1), dbSNP rs1023302860, ClinGen allele CA16603637.

ClinVar aggregate classification (germline): Likely benign (1 of 4 stars; one submission).

Allele frequency attached by ClinVar (database versions not stated): TOPMed 0.00004; gnomAD 0.00004.

Submission:

GeneDx
Classification: Likely benign. Last evaluated: 2015-04-06. Review status: criteria provided, single submitter. Criteria: GeneDx Variant Classification (06012015). Collection method: clinical testing. Allele origin: germline. Affected: yes.
Comment: This variant is considered likely benign or benign based on one or more of the following criteria: it is a conservative change, it occurs at a poorly conserved position in the protein, it is predicted to be benign by multiple in silico algorithms, and/or has population frequency not consistent with disease.